The following is an entry in ClinVar:

ClinVar aggregate classification (germline): Conflicting classifications of pathogenicity. Review status: criteria provided, conflicting classifications (1 of 4 stars). 8 submissions from 6 submitters: Uncertain significance (2); Benign (1); Likely benign (4). 1 of the submissions does not count toward it. Last evaluated 2026-01-28.

Conditions:
Acute febrile neutrophilic dermatosis (AFND). Also called: Sweet Syndrome; Gomm Button disease. Identifiers: Orphanet 3243, MedGen C0085077, MONDO:0011959, OMIM 608068.
Familial Mediterranean fever (FMF). Also called: POLYSEROSITIS, FAMILIAL PAROXYSMAL; POLYSEROSITIS, RECURRENT; Periodic peritonitis; Benign paroxysmal peritonitis. Identifiers: Orphanet 342, MedGen C0031069, MONDO:0018088, OMIM 249100. Disease mechanism: gain of function.
Familial Mediterranean fever, autosomal dominant. Also called: FMF, AUTOSOMAL DOMINANT; Dominant Familial Mediterranean Fever. Identifiers: Orphanet 342, MedGen C1851347, MONDO:0007601, OMIM 134610.
MEFV-related disorder. Also called: MEFV-related disorders; MEFV-related condition.

Allele frequency attached by ClinVar (database versions not stated): gnomAD 0.00005 and 0.00006; gnomAD exomes 0.00005 and 0.00020; TOPMed 0.00013; ExAC 0.00018.
gnomAD v4.1: 76 of 1,613,968 alleles (0.0047%); highest among the groups gnomAD compares: Admixed American, 0.095%; 1 homozygote.

Submissions (8):

Labcorp Genetics (formerly Invitae), Labcorp
Classification: Likely benign for Familial Mediterranean fever. Last evaluated: 2026-01-28. Review status: criteria provided, single submitter. Criteria: Invitae Variant Classification Sherloc (09022015). Collection method: clinical testing. Allele origin: germline.

Women's Health and Genetics/Laboratory Corporation of America, LabCorp
Classification: Uncertain significance. Last evaluated: 2024-11-11. Review status: criteria provided, single submitter. Criteria: LabCorp Variant Classification Summary - May 2015. Collection method: clinical testing. Allele origin: germline.
Comment: Variant summary: MEFV c.1610+8G>A alters a non-conserved nucleotide located close to a canonical splice site and therefore could affect mRNA splicing, leading to a significantly altered protein sequence. Consensus agreement among computation tools predict no significant impact on normal splicing. However, these predictions have yet to be confirmed by functional studies. The variant allele was found at a frequency of 0.0002 in 251392 control chromosomes in the gnomAD database, including 1 homozygotes. This frequency is not significantly higher than estimated for a pathogenic variant in MEFV causing Familial Mediterranean Fever (0.0002 vs 0.022), allowing no conclusion about variant significance. To our knowledge, no occurrence of c.1610+8G>A in individuals affected with Familial Mediterranean Fever and no experimental evidence demonstrating its impact on protein function have been reported. ClinVar contains an entry for this variant (Variation ID: 439886). Based on the evidence outlined above, the variant was classified as uncertain significance.

ARUP Laboratories, Molecular Genetics and Genomics, ARUP Laboratories
Classification: Likely benign. Last evaluated: 2023-11-08. Review status: criteria provided, single submitter. Criteria: ARUP Molecular Germline Variant Investigation Process 2024. Collection method: clinical testing. Allele origin: germline.

Genome-Nilou Lab
Classification: Uncertain significance for Familial Mediterranean fever. Last evaluated: 2023-02-08. Review status: criteria provided, single submitter. Criteria: ACMG Guidelines, 2015. Collection method: clinical testing. Allele origin: germline.

Genome-Nilou Lab
Classification: Likely benign for Familial Mediterranean fever, autosomal dominant. Last evaluated: 2023-02-08. Review status: criteria provided, single submitter. Criteria: ACMG Guidelines, 2015. Collection method: clinical testing. Allele origin: germline.

Genome-Nilou Lab
Classification: Benign for Acute febrile neutrophilic dermatosis. Last evaluated: 2023-02-08. Review status: criteria provided, single submitter. Criteria: ACMG Guidelines, 2015. Collection method: clinical testing. Allele origin: germline.

Fulgent Genetics
Classification: Likely benign for Familial Mediterranean fever, autosomal dominant; Familial Mediterranean fever; Acute febrile neutrophilic dermatosis. Last evaluated: 2021-08-30. Review status: criteria provided, single submitter. Criteria: ACMG Guidelines, 2015. Collection method: clinical testing. Allele origin: unknown.

PreventionGenetics, part of Exact Sciences
Classification: Likely benign for MEFV-related condition. Last evaluated: 2019-12-24. Review status: no assertion criteria provided. Collection method: clinical testing. Allele origin: germline. Not counted in ClinVar's aggregate classification.
Comment: This variant is classified as likely benign based on ACMG/AMP sequence variant interpretation guidelines (Richards et al. 2015 PMID: 25741868, with internal and published modifications).

NM_000243.3(MEFV):c.1610+8G>A

Gene: MEFV (MEFV innate immunity regulator, pyrin; minus strand). Cytogenetic location: 16p13.3.
Variant type: single nucleotide variant.
Coding change: c.1610+8G>A on transcript NM_000243.3 (MANE Select); 8 bases into the intron after coding-DNA position 1610, G replaced by A.
Molecular consequence: intron variant.
Genome position (GRCh38, 1-based): chr16:3,246,517, C>T on the plus strand (G>A on the coding strand, the complement: MEFV is on the minus strand). VCF-style: chr16-3246517-C-T. GRCh37 (hg19) VCF-style: chr16-3296517-C-T.
Other names: c.1610+8G>A (NM_000243.2); c.977+8G>A (NM_001198536.2).
Identifiers: ClinVar variation 439886 (VCV000439886.25), dbSNP rs765410591, ClinGen allele CA7860071.